The following is an entry in ClinVar:

NM_002432.3(MNDA):c.825A>T (p.Lys275Asn)

Gene: MNDA (myeloid cell nuclear differentiation antigen; plus strand). Cytogenetic location: 1q23.1.
Variant type: single nucleotide variant.
Coding change: c.825A>T on transcript NM_002432.3 (MANE Select); coding-DNA position 825, A replaced by T.
Protein change: p.Lys275Asn; replaces lysine 275 with asparagine.
Molecular consequence: missense variant.
Genome position (GRCh38, 1-based): chr1:158,845,841, A>T. VCF-style: chr1-158845841-A-T. GRCh37 (hg19) VCF-style: chr1-158815631-A-T.
Other names: short protein forms K275N.
Identifiers: ClinVar variation 3222211 (VCV003222211.1), dbSNP rs770301989, ClinGen allele CA343041937.
Genomic context (GRCh38, chr1:158,845,841, plus strand): 5'-CTTGAAAGAGAAATTTGTAAGGAAGAAGGTCATTACCATATCTGATTACTCTGAATGTAA[A>T]GGAGTAATGGAAATAAAGGAAGCATCATCTGTGTCTGACTTTAATCAAAATTTTGAGGTC-3'
Protein context (NP_002423.1, residues 265-285): VITISDYSEC[Lys275Asn]GVMEIKEASS

ClinVar aggregate classification (germline): Uncertain significance (1 of 4 stars; one submission).

Submission:

Ambry Genetics
Classification: Uncertain significance. Last evaluated: 2024-02-27. Review status: criteria provided, single submitter. Criteria: Ambry Variant Classification Scheme 2023. Collection method: clinical testing. Allele origin: germline.
Comment: The p.K275N variant (also known as c.825A>T), located in coding exon 4 of the MNDA gene, results from an A to T substitution at nucleotide position 825. The lysine at codon 275 is replaced by asparagine, an amino acid with similar properties. This amino acid position is conserved. In addition, this alteration is predicted to be tolerated by in silico analysis. Based on the available evidence, the clinical significance of this alteration remains unclear.